The following is an entry in ClinVar:

NM_001365902.3(NFIX):c.347G>A (p.Arg116Gln)

Gene: NFIX (nuclear factor I X; plus strand). Cytogenetic location: 19p13.13.
Variant type: single nucleotide variant.
Coding change: c.347G>A on transcript NM_001365902.3 (MANE Select); coding-DNA position 347, G replaced by A.
Protein change: p.Arg116Gln; replaces arginine 116 with glutamine.
Molecular consequence: missense variant.
Genome position (GRCh38, 1-based): chr19:13,025,340, G>A. VCF-style: chr19-13025340-G-A. GRCh37 (hg19) VCF-style: chr19-13136154-G-A.
Other names: c.371G>A, p.Arg124Gln (NM_001271043.2); c.323G>A, p.Arg108Gln (NM_001271044.3, NM_001378404.1); c.347G>A, p.Arg116Gln (NM_001365982.2, NM_002501.4); c.206G>A, p.Arg69Gln (NM_001365983.2); c.344G>A, p.Arg115Gln (NM_001365984.2, NM_001365985.2); c.395G>A, p.Arg132Gln (NM_001378405.1); c.347G>A (NM_002501.3, NM_002501.2); short protein forms R108Q, R115Q, R116Q, R124Q, R132Q, R69Q.
Identifiers: ClinVar variation 1076498 (VCV001076498.14), dbSNP rs2145192570, ClinGen allele CA404314517.

ClinVar aggregate classification (germline): Pathogenic/Likely pathogenic. Review status: criteria provided, multiple submitters, no conflicts (2 of 4 stars). 7 submissions from 7 submitters: Pathogenic (5); Likely pathogenic (1). 1 of the submissions does not count toward it. Last evaluated 2026-02-14.

Conditions:
Malan overgrowth syndrome (MALNS). Also called: NFIX-Related Malan Syndrome; Sotos syndrome 2; MALAN SYNDROME. Identifiers: Orphanet 420179, MedGen C3553660, MONDO:0013885, OMIM 614753.
NFIX-related disorder. Also called: NFIX-related condition.
Inborn genetic diseases. Identifiers: MedGen C0950123, MeSH D030342.
Marshall-Smith syndrome (MRSHSS). Identifiers: Orphanet 561, MedGen C0265211, MONDO:0011244, OMIM 602535.

Submissions (7):

GeneDx
Classification: Pathogenic. Last evaluated: 2026-02-14. Review status: criteria provided, single submitter. Criteria: GeneDx Variant Classification Process June 2021. Collection method: clinical testing. Allele origin: germline.
Comment: Not observed at significant frequency in large population cohorts (gnomAD); In silico analysis supports that this missense variant has a deleterious effect on protein structure/function; This variant is associated with the following publications: (PMID: 28475857, 31036916, 31785789, 33057194, 35982159, 39031819, 22982744, 29897170)

Dasa
Classification: Pathogenic. Last evaluated: 2025-04-01. Review status: criteria provided, single submitter. Criteria: DASA Assertion Criteria. Collection method: clinical testing. Allele origin: germline.
Comment: NM_001365902.3(NFIX):c.347G>A (p.Arg116Gln) is a missense variant that results in the substitution of arginine with glutamine. The affected residue or protein region has prior evidence supporting clinical relevance. De novo occurrence has been reported in an individual with related phenotype. This variant has been recurrently observed in individuals with related phenotype (PMID: 29897170; PMID: 26193383; PMID: 31036916). Multiple computational predictions support a deleterious effect on the gene or gene product. The variant is present at low frequency in population datasets. Based on the available data, this variant is classified as pathogenic.

Ambry Genetics
Classification: Likely pathogenic for Inborn genetic diseases. Last evaluated: 2024-08-09. Review status: criteria provided, single submitter. Criteria: Ambry Variant Classification Scheme 2023. Collection method: clinical testing. Allele origin: germline.
Comment: The c.347G>A (p.R116Q) alteration is located in exon 2 (coding exon 2) of the NFIX gene. This alteration results from a G to A substitution at nucleotide position 347, causing the arginine (R) at amino acid position 116 to be replaced by a glutamine (Q). for Malan overgrowth syndrome; however, its clinical significance for Marshall-Smith syndrome is uncertain. This variant was not reported in population-based cohorts in the Genome Aggregation Database (gnomAD). This variant has been reported in multiple individuals with features consistent with Malan overgrowth syndrome, including one case of reported de novo occurrence (Tatton-Brown, 2017; Priolo, 2018). This amino acid position is highly conserved in available vertebrate species. This alteration is predicted to be deleterious by in silico analysis. Based on the available evidence, this alteration is classified as likely pathogenic.

MVZ Martinsried, Medicover Genetics
Classification: Pathogenic for Malan overgrowth syndrome. Last evaluated: 2022-03-08. Review status: criteria provided, single submitter. Criteria: ACGS Guidelines, 2020. Collection method: clinical testing. Allele origin: de novo. Affected: yes.

Blueprint Genetics
Classification: Pathogenic for NFIX-related disorders. Last evaluated: 2021-03-03. Review status: criteria provided, single submitter. Criteria: ACMG Guidelines, 2015. Collection method: clinical testing. Allele origin: germline. Affected: yes. Observed: 1 variant allele.

Labcorp Genetics (formerly Invitae), Labcorp
Classification: Pathogenic for Malan overgrowth syndrome; Marshall-Smith syndrome. Last evaluated: 2020-05-14. Review status: criteria provided, single submitter. Criteria: Invitae Variant Classification Sherloc (09022015). Collection method: clinical testing. Allele origin: germline.
Comment: This variant disrupts the p.Arg124 amino acid residue in NFIX. Other variant(s) that disrupt this residue have been determined to be pathogenic (Invitae). This suggests that this residue is clinically significant, and that variants that disrupt this residue are likely to be disease-causing. For these reasons, this variant has been classified as Pathogenic. Algorithms developed to predict the effect of missense changes on protein structure and function are either unavailable or do not agree on the potential impact of this missense change (SIFT: "Deleterious"; PolyPhen-2: "Not Available"; Align-GVGD: "Class C0"). This variant has been observed in individual(s) with clinical features of NFIX-related conditions (PMID: 29897170, 28475857, 31036916, Invitae). In at least one individual the variant was observed to be de novo. This variant is also known as p.Arg116Gln in the literature. This variant is not present in population databases (ExAC no frequency). This sequence change replaces arginine with glutamine at codon 124 of the NFIX protein (p.Arg124Gln). The arginine residue is highly conserved and there is a small physicochemical difference between arginine and glutamine.

PreventionGenetics, part of Exact Sciences
Classification: Pathogenic for NFIX-related condition. Last evaluated: 2024-08-25. Review status: no assertion criteria provided. Collection method: clinical testing. Allele origin: germline. Not counted in ClinVar's aggregate classification.
Comment: The NFIX c.347G>A variant is predicted to result in the amino acid substitution p.Arg116Gln. This variant, alternatively referred to as c.371G>A (p.Arg124Gln) using transcript NM_001271043.2, has been reported as a recurrent de novo variant in several individuals with Malan syndrome (formerly known as Sotos syndrome 2), or intellectual disability (Priolo et al. 2018. PubMed ID: 29897170; Table S1, Lecoquierre et al. 2019. PubMed ID: 31036916; Table S1, Tatton-Brown et al. 2017. PubMed ID: 28475857). This variant has not been reported in a large population database, indicating it is rare. Different missense substitutions at the same amino acid position (p.Arg116Gly and p.Arg116Pro) have also been reported in individuals with Malan syndrome (Priolo et al. 2018. PubMed ID: 29897170). In summary, the c.347G>A (p.Arg116Gln) variant is interpreted as pathogenic.

Literature cited by the submitters: PubMed 29897170 (cited by 3 submitters); PubMed 26193383 (cited by Dasa); PubMed 31036916 (cited by Dasa and Labcorp Genetics (formerly Invitae), Labcorp); PubMed 28475857 (cited by Ambry Genetics and Labcorp Genetics (formerly Invitae), Labcorp).